The following is an entry in ClinVar:

ClinVar aggregate classification (germline): Benign/Likely benign. Review status: criteria provided, multiple submitters, no conflicts (2 of 4 stars). 4 submissions from 4 submitters: Benign (1); Likely benign (2). 1 of the submissions does not count toward it. Last evaluated 2025-01-14.

Conditions:
IQSEC2-related disorder. Also called: IQSEC2-related condition.
Intellectual developmental disorder, X-linked 1. Also called: Intellectual disability, X-linked 1; MENTAL RETARDATION, X-LINKED 18; MENTAL RETARDATION, X-LINKED 78; Atkin Flaitz Patil Smith syndrome. Identifiers: Orphanet 777, MedGen C2931498, MONDO:0010656, OMIM 309530.

Allele frequency attached by ClinVar (database versions not stated): TOPMed 0.00012; gnomAD exomes 0.00057 and 0.00144; 1000 Genomes Project 30x 0.00021; 1000 Genomes Project 0.00053; ExAC 0.00084; gnomAD 0.00110 and 0.00115.
gnomAD v4.1: 714 of 1,153,018 alleles (0.062%); highest among the groups gnomAD compares: Non-Finnish European, 0.0067%; 7 homozygotes.

Submissions (4):

Labcorp Genetics (formerly Invitae), Labcorp
Classification: Benign for Intellectual developmental disorder, X-linked 1. Last evaluated: 2025-01-14. Review status: criteria provided, single submitter. Criteria: Invitae Variant Classification Sherloc (09022015). Collection method: clinical testing. Allele origin: germline.

Blueprint Genetics
Classification: Likely benign. Last evaluated: 2024-10-08. Review status: criteria provided, single submitter. Criteria: ACMG Guidelines, 2015. Collection method: clinical testing. Allele origin: germline.

GeneDx
Classification: Likely benign. Last evaluated: 2016-01-06. Review status: criteria provided, single submitter. Criteria: GeneDx Variant Classification (06012015). Collection method: clinical testing. Allele origin: germline. Affected: yes.
Comment: This variant is considered likely benign or benign based on one or more of the following criteria: it is a conservative change, it occurs at a poorly conserved position in the protein, it is predicted to be benign by multiple in silico algorithms, and/or has population frequency not consistent with disease.

PreventionGenetics, part of Exact Sciences
Classification: Benign for IQSEC2-related condition. Last evaluated: 2019-05-23. Review status: no assertion criteria provided. Collection method: clinical testing. Allele origin: germline. Not counted in ClinVar's aggregate classification.
Comment: This variant is classified as benign based on ACMG/AMP sequence variant interpretation guidelines (Richards et al. 2015 PMID: 25741868, with internal and published modifications).

NM_001111125.3(IQSEC2):c.84C>T (p.Asn28=)

Gene: IQSEC2 (IQ motif and Sec7 domain ArfGEF 2; minus strand). Cytogenetic location: Xp11.22.
Variant type: single nucleotide variant.
Coding change: c.84C>T on transcript NM_001111125.3 (MANE Select); coding-DNA position 84, C replaced by T.
Protein change: p.Asn28=; no amino-acid change (asparagine 28 retained).
Molecular consequence: synonymous variant.
Genome position (GRCh38, 1-based): chrX:53,321,040, G>A on the plus strand (C>T on the coding strand, the complement: IQSEC2 is on the minus strand). VCF-style: chrX-53321040-G-A. GRCh37 (hg19) VCF-style: chrX-53350238-G-A.
Identifiers: ClinVar variation 382662 (VCV000382662.14), dbSNP rs782713602, ClinGen allele CA10420225.